The following is an entry in ClinVar:

ClinVar aggregate classification (germline): Conflicting classifications of pathogenicity. Review status: criteria provided, conflicting classifications (1 of 4 stars). 2 submissions from 2 submitters: Uncertain significance (1); Likely benign (1). Last evaluated 2025-06-10.

Conditions:
Familial cancer of breast. Also called: Hereditary breast cancer; hereditary breast carcinoma; BREAST CANCER, FAMILIAL. Identifiers: Orphanet 227535, MedGen C0346153, MONDO:0016419, OMIM 114480. Disease mechanism: loss of function.
Hereditary cancer-predisposing syndrome. Also called: Hereditary neoplastic syndrome; Tumor predisposition; Neoplastic Syndromes, Hereditary; Hereditary Cancer Syndrome. Identifiers: Orphanet 140162, MedGen C0027672, MeSH D009386, MONDO:0015356.

Submissions (2):

Labcorp Genetics (formerly Invitae), Labcorp
Classification: Uncertain significance for Familial cancer of breast. Last evaluated: 2025-06-10. Review status: criteria provided, single submitter. Criteria: Invitae Variant Classification Sherloc (09022015). Collection method: clinical testing. Allele origin: germline.
Comment: This sequence change replaces aspartic acid, which is acidic and polar, with tyrosine, which is neutral and polar, at codon 777 of the PALB2 protein (p.Asp777Tyr). This variant is not present in population databases (gnomAD no frequency). This variant has not been reported in the literature in individuals affected with PALB2-related conditions. ClinVar contains an entry for this variant (Variation ID: 655721). Invitae Evidence Modeling of protein sequence and biophysical properties (such as structural, functional, and spatial information, amino acid conservation, physicochemical variation, residue mobility, and thermodynamic stability) indicates that this missense variant is not expected to disrupt PALB2 protein function with a negative predictive value of 80%. In summary, the available evidence is currently insufficient to determine the role of this variant in disease. Therefore, it has been classified as a Variant of Uncertain Significance.

Ambry Genetics
Classification: Likely benign for Hereditary cancer-predisposing syndrome. Last evaluated: 2024-10-25. Review status: criteria provided, single submitter. Criteria: Ambry Variant Classification Scheme 2023. Collection method: clinical testing. Allele origin: germline.

Literature cited by the submitters: PubMed 30309218 (cited by Ambry Genetics).

NM_024675.4(PALB2):c.2329G>T (p.Asp777Tyr)

Gene: PALB2 (partner and localizer of BRCA2; minus strand). Cytogenetic location: 16p12.2.
Variant type: single nucleotide variant.
Coding change: c.2329G>T on transcript NM_024675.4 (MANE Select); coding-DNA position 2329, G replaced by T.
Protein change: p.Asp777Tyr; replaces aspartic acid 777 with tyrosine.
Molecular consequence: missense variant.
Genome position (GRCh38, 1-based): chr16:23,629,825, C>A on the plus strand (G>T on the coding strand, the complement: PALB2 is on the minus strand). VCF-style: chr16-23629825-C-A. GRCh37 (hg19) VCF-style: chr16-23641146-C-A.
Other names: short protein forms D777Y.
Identifiers: ClinVar variation 655721 (VCV000655721.15), dbSNP rs148026749, ClinGen allele CA395125061.